The following is an entry in ClinVar:

ClinVar aggregate classification (germline): Uncertain significance (1 of 4 stars; one submission).

Conditions:
Charcot-Marie-Tooth disease, type I (CMT1). Also called: Charcot-Marie-Tooth disease type 1; Charcot-Marie-Tooth, Type 1. Identifiers: Orphanet 65753, MedGen C0751036, MONDO:0019011.

Submission:

Labcorp Genetics (formerly Invitae), Labcorp
Classification: Uncertain significance for Charcot-Marie-Tooth disease, type I. Last evaluated: 2021-12-04. Review status: criteria provided, single submitter. Criteria: Invitae Variant Classification Sherloc (09022015). Collection method: clinical testing. Allele origin: germline.
Comment: In summary, the available evidence is currently insufficient to determine the role of this variant in disease. Therefore, it has been classified as a Variant of Uncertain Significance. Experimental studies and prediction algorithms are not available or were not evaluated, and the functional significance of this variant is currently unknown. A similar copy number variant has been observed in individual(s) with early onset severe neuropathy (Invitae). This variant results in a copy number gain of the genomic region encompassing exon(s) 4 of the PMP22 gene. While the exact position of this variant cannot be determined from the data, sub-genic copy number gains are generally in tandem (PMID: 25640679). This variant is predicted to be in-frame, and likely preserves the integrity of the reading frame.

Literature cited by the submitters: PubMed 25640679.

NC_000017.10:g.(?_15142768)_(15142948_?)dup

Gene: PMP22 (peripheral myelin protein 22; minus strand). Cytogenetic location: 17p12.
Variant type: Duplication.
Identifiers: ClinVar variation 531715 (VCV000531715.3).